The following is an entry in ClinVar:

NM_015178.3(RHOBTB2):c.1626G>A (p.Val542=)

Gene: RHOBTB2 (Rho related BTB domain containing 2; plus strand). Cytogenetic location: 8p21.3.
Variant type: single nucleotide variant.
Coding change: c.1626G>A on transcript NM_015178.3 (MANE Select); coding-DNA position 1626, G replaced by A.
Protein change: p.Val542=; no amino-acid change (valine 542 retained).
Molecular consequence: synonymous variant.
Genome position (GRCh38, 1-based): chr8:23,010,543, G>A. VCF-style: chr8-23010543-G-A. GRCh37 (hg19) VCF-style: chr8-22868056-G-A.
Other names: c.1692G>A, p.Val564= (NM_001160036.2); c.1647G>A, p.Val549= (NM_001160037.2); c.1626G>A, p.Val542= (NM_001374791.1).
Identifiers: ClinVar variation 4873547 (VCV004873547.2).

ClinVar aggregate classification (germline): Likely benign (1 of 4 stars; one submission).

gnomAD v4.1: 1 of 1,612,780 alleles (0.000062%); highest among the groups gnomAD compares: Non-Finnish European, 0.000085%; no homozygotes.

Submission:

CeGaT Center for Human Genetics Tuebingen
Classification: Likely benign. Last evaluated: 2026-05-01. Review status: criteria provided, single submitter. Criteria: CeGaT Center For Human Genetics Tuebingen Variant Classification Criteria Version 2. Collection method: clinical testing. Allele origin: germline. Affected: yes. Observed: 1 variant allele.
Comment: RHOBTB2: BP4, BP7